The following is an entry in ClinVar:

NC_000019.9:g.(?_19312438)_(19312528_?)dup

Genes: NR2C2AP (nuclear receptor 2C2 associated protein; minus strand), RFXANK (regulatory factor X associated ankyrin containing protein; plus strand). Cytogenetic location: 19p13.11.
Variant type: Duplication.
Identifiers: ClinVar variation 1410850 (VCV001410850.4).

ClinVar aggregate classification (germline): Uncertain significance (1 of 4 stars; one submission).

Conditions:
MHC class II deficiency. Also called: BLS, TYPE II; Bare lymphocyte syndrome 2. Identifiers: Orphanet 572, MedGen C5447452, MONDO:0008855.

Submission:

Labcorp Genetics (formerly Invitae), Labcorp
Classification: Uncertain significance for MHC class II deficiency. Last evaluated: 2023-12-07. Review status: criteria provided, single submitter. Criteria: Invitae Variant Classification Sherloc (09022015). Collection method: clinical testing. Allele origin: germline.
Comment: This variant results in a copy number gain of the genomic region encompassing exon(s) 10 of the RFXANK gene. This region includes the termination codon of the gene. This copy number gain extends beyond the assayed region for this gene and therefore may encompass additional genes. As the precise location of this event is unknown, it may be in tandem or it may be located elsewhere in the genome. This variant has not been reported in the literature in individuals affected with RFXANK-related conditions. In summary, the available evidence is currently insufficient to determine the role of this variant in disease. Therefore, it has been classified as a Variant of Uncertain Significance.